The following is an entry in ClinVar:

ClinVar aggregate classification (germline): Uncertain significance (1 of 4 stars; one submission).

Conditions:
Eichsfeld type congenital muscular dystrophy (CMYO3). Also called: Rigid spine muscular dystrophy 1; MYOPATHY, SEPN1-RELATED; SELENON-related myopathy; Congenital myopathy 3 with rigid spine. Identifiers: MedGen C0410180, MONDO:0100100, OMIM 602771.

Allele frequency attached by ClinVar (database versions not stated): gnomAD 0.00001; ExAC 0.00008; 1000 Genomes Project 30x 0.00016; 1000 Genomes Project 0.00020.

Submission:

Labcorp Genetics (formerly Invitae), Labcorp
Classification: Uncertain significance for Eichsfeld type congenital muscular dystrophy. Last evaluated: 2022-01-15. Review status: criteria provided, single submitter. Criteria: Invitae Variant Classification Sherloc (09022015). Collection method: clinical testing. Allele origin: germline.
Comment: This variant is present in population databases (rs544458226, gnomAD 0.04%). In summary, the available evidence is currently insufficient to determine the role of this variant in disease. Therefore, it has been classified as a Variant of Uncertain Significance. Algorithms developed to predict the effect of missense changes on protein structure and function (SIFT, PolyPhen-2, Align-GVGD) all suggest that this variant is likely to be disruptive. This variant has not been reported in the literature in individuals affected with SELENON-related conditions. This sequence change replaces serine, which is neutral and polar, with phenylalanine, which is neutral and non-polar, at codon 181 of the SELENON protein (p.Ser181Phe).

NM_206926.2(SELENON):c.440C>T (p.Ser147Phe)

Gene: SELENON (selenoprotein N; plus strand). Cytogenetic location: 1p36.11.
Variant type: single nucleotide variant.
Coding change: c.440C>T on transcript NM_206926.2 (MANE Select); coding-DNA position 440, C replaced by T.
Protein change: p.Ser147Phe; replaces serine 147 with phenylalanine.
Molecular consequence: missense variant.
Genome position (GRCh38, 1-based): chr1:25,808,584, C>T. VCF-style: chr1-25808584-C-T. GRCh37 (hg19) VCF-style: chr1-26135075-C-T.
Other names: c.542C>T, p.Ser181Phe (NM_020451.3); short protein forms S147F, S181F.
Identifiers: ClinVar variation 2059277 (VCV002059277.2), dbSNP rs544458226, ClinGen allele CA696556.
Genomic context (GRCh38, chr1:25,808,584, plus strand): 5'-GGAGACCCCGGAGTCAGGTTCTCAGATTCCTGGAGCTTTGCTTTCCCCCGCCCCAGGTCT[C>T]CCGCCTCGCCCTGTCCGGCCTCCGAAACTGGACAGCCGCCGCCTCACCAAGTGCAGTGTT-3'
Protein context (NP_996809.1, residues 137-157): TKSKDGFLGV[Ser147Phe]RLALSGLRNW